The following is an entry in ClinVar:

NM_004795.4(KL):c.2998A>T (p.Ile1000Leu)

Gene: KL (klotho; plus strand). Cytogenetic location: 13q13.1.
Variant type: single nucleotide variant.
Coding change: c.2998A>T on transcript NM_004795.4 (MANE Select); coding-DNA position 2998, A replaced by T.
Protein change: p.Ile1000Leu; replaces isoleucine 1000 with leucine.
Molecular consequence: missense variant.
Genome position (GRCh38, 1-based): chr13:33,064,145, A>T. VCF-style: chr13-33064145-A-T. GRCh37 (hg19) VCF-style: chr13-33638282-A-T.
Other names: short protein forms I1000L.
Identifiers: ClinVar variation 3698264 (VCV003698264.2).

ClinVar aggregate classification (germline): Uncertain significance (1 of 4 stars; one submission).

gnomAD v4.1: 1 of 1,612,144 alleles (0.000062%); highest among the groups gnomAD compares: Admixed American, 0.0017%; no homozygotes.

Submission:

Labcorp Genetics (formerly Invitae), Labcorp
Classification: Uncertain significance. Last evaluated: 2024-04-03. Review status: criteria provided, single submitter. Criteria: Invitae Variant Classification Sherloc (09022015). Collection method: clinical testing. Allele origin: germline.
Comment: This sequence change replaces isoleucine, which is neutral and non-polar, with leucine, which is neutral and non-polar, at codon 1000 of the KL protein (p.Ile1000Leu). This variant is present in population databases (no rsID available, gnomAD 0.003%). This variant has not been reported in the literature in individuals affected with KL-related conditions. Advanced modeling of protein sequence and biophysical properties (such as structural, functional, and spatial information, amino acid conservation, physicochemical variation, residue mobility, and thermodynamic stability) performed at Invitae indicates that this missense variant is not expected to disrupt KL protein function with a negative predictive value of 80%. In summary, the available evidence is currently insufficient to determine the role of this variant in disease. Therefore, it has been classified as a Variant of Uncertain Significance.